The following is an entry in ClinVar:

ClinVar aggregate classification (germline): Uncertain significance (1 of 4 stars; one submission).

Allele frequency attached by ClinVar (database versions not stated): gnomAD 0.00001; gnomAD exomes 0.00001; ExAC 0.00004.
gnomAD v4.1: 15 of 1,612,784 alleles (0.00093%); highest among the groups gnomAD compares: Admixed American, 0.01%; no homozygotes.

Submission:

Labcorp Genetics (formerly Invitae), Labcorp
Classification: Uncertain significance. Last evaluated: 2023-06-07. Review status: criteria provided, single submitter. Criteria: Invitae Variant Classification Sherloc (09022015). Collection method: clinical testing. Allele origin: germline.
Comment: This sequence change replaces aspartic acid, which is acidic and polar, with glutamic acid, which is acidic and polar, at codon 495 of the KMT2E protein (p.Asp495Glu). In summary, the available evidence is currently insufficient to determine the role of this variant in disease. Therefore, it has been classified as a Variant of Uncertain Significance. Algorithms developed to predict the effect of missense changes on protein structure and function output the following: SIFT: "Not Available"; PolyPhen-2: "Benign"; Align-GVGD: "Not Available". The glutamic acid amino acid residue is found in multiple mammalian species, which suggests that this missense change does not adversely affect protein function. This variant has not been reported in the literature in individuals affected with KMT2E-related conditions. The frequency data for this variant in the population databases is considered unreliable, as metrics indicate poor data quality at this position in the gnomAD database.

NM_182931.3(KMT2E):c.1485C>G (p.Asp495Glu)

Gene: KMT2E (lysine methyltransferase 2E (inactive); plus strand). Cytogenetic location: 7q22.3.
Variant type: single nucleotide variant.
Coding change: c.1485C>G on transcript NM_182931.3 (MANE Select); coding-DNA position 1485, C replaced by G.
Protein change: p.Asp495Glu; replaces aspartic acid 495 with glutamic acid.
Molecular consequence: missense variant.
Genome position (GRCh38, 1-based): chr7:105,090,135, C>G. VCF-style: chr7-105090135-C-G. GRCh37 (hg19) VCF-style: chr7-104730582-C-G.
Other names: c.1485C>G, p.Asp495Glu (NM_001410908.1, NM_018682.4); short protein forms D495E.
Identifiers: ClinVar variation 2890417 (VCV002890417.3), dbSNP rs757087934, ClinGen allele CA4424005.
Genomic context (GRCh38, chr7:105,090,135, plus strand): 5'-TGAATCCATGGAAAATATCAATAGTGGTTATGAGACCAGACGGAAAAAAGGAAAAAAAGA[C>G]AAAGATATTTCAAAAGAAAAAGATACACAAAATCAGAATATTACTTTGGATTGTGAAGGA-3'
Protein context (NP_891847.1, residues 485-505): YETRRKKGKK[Asp495Glu]KDISKEKDTQ